The following is an entry in ClinVar:

ClinVar aggregate classification (germline): Likely pathogenic (1 of 4 stars; one submission).

Submission:

Labcorp Genetics (formerly Invitae), Labcorp
Classification: Likely pathogenic. Last evaluated: 2023-07-21. Review status: criteria provided, single submitter. Criteria: Invitae Variant Classification Sherloc (09022015). Collection method: clinical testing. Allele origin: germline.
Comment: This sequence change affects a splice site in intron 2 of the IMPG1 gene. It is expected to disrupt RNA splicing. Variants that disrupt the donor or acceptor splice site typically lead to a loss of protein function (PMID: 16199547), and loss-of-function variants in IMPG1 are known to be pathogenic (PMID: 23993198). This variant is not present in population databases (gnomAD no frequency). This variant has not been reported in the literature in individuals affected with IMPG1-related conditions. ClinVar contains an entry for this variant (Variation ID: 1418084). Algorithms developed to predict the effect of sequence changes on RNA splicing suggest that this variant may disrupt the consensus splice site. In summary, the currently available evidence indicates that the variant is pathogenic, but additional data are needed to prove that conclusively. Therefore, this variant has been classified as Likely Pathogenic.

Literature cited by the submitters: PubMed 16199547; PubMed 23993198.

NM_001563.4(IMPG1):c.302-7_302del

Gene: IMPG1 (interphotoreceptor matrix proteoglycan 1; minus strand). Cytogenetic location: 6q14.1.
Variant type: Deletion.
Coding change: c.302-7_302del on transcript NM_001563.4 (MANE Select); 7 bases into the intron before coding-DNA position 302 through coding-DNA position 302, 8 bases deleted (ATTACAGT; older notation c.302-7_302delATTACAGT).
Molecular consequence: splice acceptor variant.
Genome position (GRCh38, 1-based): chr6:76,034,787-76,034,794, ACTGTAAT deleted on the plus strand (ATTACAGT on the coding strand, the reverse complement: IMPG1 is on the minus strand); deleting any 8 consecutive bases within chr6:76,034,787-76,034,796 gives the same sequence; the c. name uses the placement nearest the transcript's 3' end. VCF-style (leftmost placement, unchanged base first): chr6-76034786-CACTGTAAT-C. GRCh37 (hg19) VCF-style: chr6-76744503-CACTGTAAT-C.
Other names: c.68-7_68del (NM_001282368.2).
Identifiers: ClinVar variation 1418084 (VCV001418084.6), dbSNP rs1278038759, ClinGen allele CA828153806.
Genomic context (GRCh38, chr6:76,034,786, plus strand): 5'-CCCTGTGTCAGGGATGCGATCCAGAAAGATCCGATATGCTTCCCATACTGCTTCCTGACA[CACTGTAAT>C]ACAGAGTCATTAATGGCCATGCCCTAAGAGGGTCCCCGTACCCAATCCCAAGCAAAGTCT-3'